The following is an entry in ClinVar:

NM_015450.3(POT1):c.1711T>G (p.Ser571Ala)

Gene: POT1 (protection of telomeres 1; minus strand). Cytogenetic location: 7q31.33.
Variant type: single nucleotide variant.
Coding change: c.1711T>G on transcript NM_015450.3 (MANE Select); coding-DNA position 1711, T replaced by G.
Protein change: p.Ser571Ala; replaces serine 571 with alanine.
Molecular consequence: missense variant. On other transcripts: non-coding transcript variant (3).
Genome position (GRCh38, 1-based): chr7:124,825,333, A>C on the plus strand (T>G on the coding strand, the complement: POT1 is on the minus strand). VCF-style: chr7-124825333-A-C. GRCh37 (hg19) VCF-style: chr7-124465387-A-C.
Other names: c.1318T>G, p.Ser440Ala (NM_001042594.2); short protein forms S440A, S571A.
Identifiers: ClinVar variation 1017328 (VCV001017328.17), dbSNP rs1794604371, ClinGen allele CA369062486.
Genomic context (GRCh38, chr7:124,825,333, plus strand): 5'-AAAACATATCCATGATCATATCCACACTTTTCTGAAGGTCATCATCCATCAGAACTTCTG[A>C]TGCTGGAATCTGGAAGAATTTGTCCTTAAAAATGTTTCATGAGAGAAAAAAAAAGGAAAT-3'
Protein context (NP_056265.2, residues 561-581): DSDKFFQIPA[Ser571Ala]EVLMDDDLQK

ClinVar aggregate classification (germline): Conflicting classifications of pathogenicity. Review status: criteria provided, conflicting classifications (1 of 4 stars). 4 submissions from 4 submitters: Uncertain significance (3); Likely benign (1). Last evaluated 2025-08-07.

Conditions:
Hereditary cancer-predisposing syndrome. Also called: Neoplastic Syndromes, Hereditary; Hereditary Cancer Syndrome; Hereditary neoplastic syndrome; Tumor predisposition. Identifiers: Orphanet 140162, MedGen C0027672, MeSH D009386, MONDO:0015356.
Tumor predisposition syndrome 3 (TPDS3). Also called: Glioma susceptibility 9; LONG TELOMERE SYNDROME, POT1-RELATED; POT1 Tumor Predisposition; Melanoma, cutaneous malignant, susceptibility to, 10. Identifiers: Orphanet 618, MedGen C4014476, MONDO:0014368, OMIM 615848.

Submissions (4):

Labcorp Genetics (formerly Invitae), Labcorp
Classification: Uncertain significance for Tumor predisposition syndrome 3. Last evaluated: 2025-08-07. Review status: criteria provided, single submitter. Criteria: Invitae Variant Classification Sherloc (09022015). Collection method: clinical testing. Allele origin: germline.
Comment: This sequence change replaces serine, which is neutral and polar, with alanine, which is neutral and non-polar, at codon 571 of the POT1 protein (p.Ser571Ala). This variant is not present in population databases (gnomAD no frequency). This variant has not been reported in the literature in individuals affected with POT1-related conditions. ClinVar contains an entry for this variant (Variation ID: 1017328). Invitae Evidence Modeling of protein sequence and biophysical properties (such as structural, functional, and spatial information, amino acid conservation, physicochemical variation, residue mobility, and thermodynamic stability) indicates that this missense variant is not expected to disrupt POT1 protein function with a negative predictive value of 80%. In summary, the available evidence is currently insufficient to determine the role of this variant in disease. Therefore, it has been classified as a Variant of Uncertain Significance.

Ambry Genetics
Classification: Likely benign for Hereditary cancer-predisposing syndrome. Last evaluated: 2025-01-25. Review status: criteria provided, single submitter. Criteria: Ambry Variant Classification Scheme 2023. Collection method: clinical testing. Allele origin: germline.

Sema4
Classification: Uncertain significance for Hereditary cancer-predisposing syndrome. Last evaluated: 2021-11-02. Review status: criteria provided, single submitter. Criteria: Sema4 Curation Guidelines. Collection method: curation. Allele origin: germline.
Comment: The POT1 c.1711T>G (p.S571A) variant has not been reported in the literature to our knowledge. It was not observed in the large and broad cohorts of the Genome Aggregation Database, but has been reported in ClinVar (Variation ID: 1017328). Functional studies have not been performed, and in silico predictions of the variant's effect on protein function are inconclusive. The evidence is insufficient to meet ACMG/AMP criteria for classifying the variant as benign or pathogenic. Thus, the clinical significance of this variant is currently uncertain.

GeneDx
Classification: Uncertain significance. Last evaluated: 2021-01-20. Review status: criteria provided, single submitter. Criteria: GeneDx Variant Classification Process June 2021. Collection method: clinical testing. Allele origin: germline. Affected: yes.
Comment: Not observed in large population cohorts (Lek et al., 2016); In silico analysis, which includes protein predictors and evolutionary conservation, supports that this variant does not alter protein structure/function; Has not been previously published as pathogenic or benign to our knowledge